The following is an entry in ClinVar:

NM_022166.4(XYLT1):c.1588T>G (p.Ser530Ala)

Genes: XYLT1 (xylosyltransferase 1; minus strand), LOC102723692 (uncharacterized LOC102723692; plus strand). Cytogenetic location: 16p12.3.
Variant type: single nucleotide variant.
Coding change: c.1588T>G on transcript NM_022166.4 (MANE Select); coding-DNA position 1588, T replaced by G.
Protein change: p.Ser530Ala; replaces serine 530 with alanine.
Molecular consequence: missense variant. On other transcripts: non-coding transcript variant (1).
Genome position (GRCh38, 1-based): chr16:17,138,531, A>C on the plus strand (T>G on the coding strand, the complement: XYLT1 is on the minus strand). VCF-style: chr16-17138531-A-C. GRCh37 (hg19) VCF-style: chr16-17232388-A-C.
Other names: short protein forms S530A.
Identifiers: ClinVar variation 1057794 (VCV001057794.6), dbSNP rs148992515, ClinGen allele CA7927843.
Genomic context (GRCh38, chr16:17,138,531, plus strand): 5'-GGTTGTTGTCCACCATGGTGTCGCAGTGGGGGCTGTTCTCCAGGACCGTATGGAAGAAGG[A>C]CTGCAGGGGAGAGAGGGACCCAGCCTGAGACCTCTCCCAGCCTCCCACAGATGAACTGGG-3'
Protein context (NP_071449.1, residues 520-540): FYSYTLLPAE[Ser530Ala]FFHTVLENSP

ClinVar aggregate classification (germline): Uncertain significance (1 of 4 stars; one submission).

Conditions:
Desbuquois dysplasia 1 (DBQD1). Also called: DESBUQUOIS DYSPLASIA 1, KIM VARIANT; MICROMELIC DWARFISM WITH VERTEBRAL AND METAPHYSEAL ABNORMALITIES AND ADVANCED CARPOTARSAL OSSIFICATION. Identifiers: Orphanet 1425, MedGen C4012146, MONDO:0009629, OMIM 251450.

Allele frequency attached by ClinVar (database versions not stated): TOPMed 0.00002; ESP Exome Variant Server 0.00008; gnomAD 0.00003; gnomAD exomes 0.00004; ExAC 0.00007.
gnomAD v4.1: 63 of 1,611,928 alleles (0.0039%); highest among the groups gnomAD compares: Middle Eastern, 0.017%; no homozygotes.

Submission:

Labcorp Genetics (formerly Invitae), Labcorp
Classification: Uncertain significance for Desbuquois dysplasia 1. Last evaluated: 2021-08-28. Review status: criteria provided, single submitter. Criteria: Invitae Variant Classification Sherloc (09022015). Collection method: clinical testing. Allele origin: germline.
Comment: This sequence change replaces serine with alanine at codon 530 of the XYLT1 protein (p.Ser530Ala). The serine residue is highly conserved and there is a moderate physicochemical difference between serine and alanine. This variant is present in population databases (rs148992515, ExAC 0.01%). This variant has not been reported in the literature in individuals affected with XYLT1-related conditions. Algorithms developed to predict the effect of missense changes on protein structure and function (SIFT, PolyPhen-2, Align-GVGD) all suggest that this variant is likely to be disruptive. In summary, the available evidence is currently insufficient to determine the role of this variant in disease. Therefore, it has been classified as a Variant of Uncertain Significance.